The following is an entry in ClinVar:

ClinVar aggregate classification (germline): Likely benign. Review status: criteria provided, multiple submitters, no conflicts (2 of 4 stars). 6 submissions from 6 submitters: Likely benign (6). Last evaluated 2026-01-11.

Conditions:
Hereditary cancer-predisposing syndrome. Also called: Hereditary Cancer Syndrome; Hereditary neoplastic syndrome; Tumor predisposition; Neoplastic Syndromes, Hereditary. Identifiers: Orphanet 140162, MedGen C0027672, MeSH D009386, MONDO:0015356.
Ataxia-telangiectasia syndrome (AT). Also called: Ataxia-telangiectasia, complementation group E; Ataxia-telangiectasia, complementation group D; AT, COMPLEMENTATION GROUP C; ATAXIA-TELANGIECTASIA, COMPLEMENTATION GROUP A; ATAXIA-TELANGIECTASIA, FRESNO VARIANT; Ataxia-telangiectasia. Identifiers: Orphanet 100, MedGen C0004135, MONDO:0008840, OMIM 208900.

Allele frequency attached by ClinVar (database versions not stated): TOPMed 0.00002.
gnomAD v4.1: 10 of 1,613,436 alleles (0.00062%); highest among the groups gnomAD compares: Non-Finnish European, 0.00085%; no homozygotes.

Submissions (6):

Labcorp Genetics (formerly Invitae), Labcorp
Classification: Likely benign for Ataxia-telangiectasia syndrome. Last evaluated: 2026-01-11. Review status: criteria provided, single submitter. Criteria: Invitae Variant Classification Sherloc (09022015). Collection method: clinical testing. Allele origin: germline.

Center for Genomic Medicine, Rigshospitalet, Copenhagen University Hospital
Classification: Likely benign. Last evaluated: 2025-03-04. Review status: criteria provided, single submitter. Criteria: ACMG Guidelines, 2015. Collection method: clinical testing. Allele origin: germline.

Blueprint Genetics
Classification: Likely benign. Last evaluated: 2024-08-06. Review status: criteria provided, single submitter. Criteria: ACMG Guidelines, 2015. Collection method: clinical testing. Allele origin: germline.

PreventionGenetics, part of Exact Sciences
Classification: Likely benign. Last evaluated: 2017-12-20. Review status: criteria provided, single submitter. Criteria: ACMG Guidelines, 2015. Collection method: clinical testing. Allele origin: germline.

GeneDx
Classification: Likely benign. Last evaluated: 2016-10-04. Review status: criteria provided, single submitter. Criteria: GeneDx Variant Classification (06012015). Collection method: clinical testing. Allele origin: germline. Affected: yes.
Comment: This variant is considered likely benign or benign based on one or more of the following criteria: it is a conservative change, it occurs at a poorly conserved position in the protein, it is predicted to be benign by multiple in silico algorithms, and/or has population frequency not consistent with disease.

Color Diagnostics, LLC DBA Color Health
Classification: Likely benign for Hereditary cancer-predisposing syndrome. Last evaluated: 2016-09-06. Review status: criteria provided, single submitter. Criteria: ACMG Guidelines, 2015. Collection method: clinical testing. Allele origin: germline.

NM_000051.4(ATM):c.496+18T>C

Gene: ATM (ATM serine/threonine kinase; plus strand). Cytogenetic location: 11q22.3.
Variant type: single nucleotide variant.
Coding change: c.496+18T>C on transcript NM_000051.4 (MANE Select); 18 bases into the intron after coding-DNA position 496, T replaced by C.
Molecular consequence: intron variant.
Genome position (GRCh38, 1-based): chr11:108,235,852, T>C. VCF-style: chr11-108235852-T-C. GRCh37 (hg19) VCF-style: chr11-108106579-T-C.
Other names: c.496+18T>C (NM_001351834.2).
Identifiers: ClinVar variation 377503 (VCV000377503.13), dbSNP rs762171014, ClinGen allele CA6264613.